The following is an entry in ClinVar:

ClinVar aggregate classification (germline): Likely pathogenic (1 of 4 stars; one submission).

Conditions:
Alzheimer disease 3 (AD3). Also called: ALZHEIMER DISEASE, FAMILIAL, 3. Identifiers: Orphanet 1020, MedGen C1843013, MONDO:0011913, OMIM 607822.

Submission:

Laboratory of Medical Genetics, University of Torino
Classification: Likely pathogenic for Alzheimer disease 3. Last evaluated: 2023-04-02. Review status: criteria provided, single submitter. Criteria: ACMG Guidelines, 2015. Collection method: clinical testing. Allele origin: unknown. Inheritance: Autosomal dominant inheritance. Affected: yes. Observed: 1 heterozygote.
Comment: The c.1301C>T p.(Ala434Val) variant affects the PAL motif critical for catalytic activity of the macromolecular γ-secretase complex. Evolutionary and integrated bioinformatic tools predicted a deleterious effect of the variant supporting its role in the AD pathogenesis. The same aminoacid is changed into Cys and reported pathogenic for Alzheimer's disease.

NM_000021.4(PSEN1):c.1301C>T (p.Ala434Val)

Gene: PSEN1 (presenilin 1; plus strand). Cytogenetic location: 14q24.2.
Variant type: single nucleotide variant.
Coding change: c.1301C>T on transcript NM_000021.4 (MANE Select); coding-DNA position 1301, C replaced by T.
Protein change: p.Ala434Val; replaces alanine 434 with valine.
Molecular consequence: missense variant.
Genome position (GRCh38, 1-based): chr14:73,219,186, C>T. VCF-style: chr14-73219186-C-T. GRCh37 (hg19) VCF-style: chr14-73685894-C-T.
Other names: c.1289C>T, p.Ala430Val (NM_007318.3); short protein forms A430V, A434V.
Identifiers: ClinVar variation 2446439 (VCV002446439.2), dbSNP rs2503033713, ClinGen allele CA390306065.